The following is an entry in ClinVar:

ClinVar aggregate classification (germline): Uncertain significance (1 of 4 stars; one submission).

Conditions:
Gastrointestinal stromal tumor. Also called: Gastrointestinal stromal tumor, somatic; Gastrointestinal stroma tumor. Identifiers: Orphanet 44890, MedGen C0238198, MeSH D046152, MONDO:0011719, OMIM 606764, HP:0100723.

Submission:

Labcorp Genetics (formerly Invitae), Labcorp
Classification: Uncertain significance for Gastrointestinal stromal tumor. Last evaluated: 2024-02-18. Review status: criteria provided, single submitter. Criteria: Invitae Variant Classification Sherloc (09022015). Collection method: clinical testing. Allele origin: germline.
Comment: This sequence change replaces leucine, which is neutral and non-polar, with proline, which is neutral and non-polar, at codon 525 of the PDGFRA protein (p.Leu525Pro). This variant is not present in population databases (gnomAD no frequency). This variant has not been reported in the literature in individuals affected with PDGFRA-related conditions. Advanced modeling of protein sequence and biophysical properties (such as structural, functional, and spatial information, amino acid conservation, physicochemical variation, residue mobility, and thermodynamic stability) performed at Invitae indicates that this missense variant is not expected to disrupt PDGFRA protein function with a negative predictive value of 80%. In summary, the available evidence is currently insufficient to determine the role of this variant in disease. Therefore, it has been classified as a Variant of Uncertain Significance.

NM_006206.6(PDGFRA):c.1574T>C (p.Leu525Pro)

Gene: PDGFRA (platelet derived growth factor receptor alpha; plus strand). Cytogenetic location: 4q12.
Variant type: single nucleotide variant.
Coding change: c.1574T>C on transcript NM_006206.6 (MANE Select); coding-DNA position 1574, T replaced by C.
Protein change: p.Leu525Pro; replaces leucine 525 with proline.
Molecular consequence: missense variant.
Genome position (GRCh38, 1-based): chr4:54,274,546, T>C. VCF-style: chr4-54274546-T-C. GRCh37 (hg19) VCF-style: chr4-55140713-T-C.
Other names: c.1574T>C, p.Leu525Pro (NM_001347827.2, NM_001347829.2); c.1649T>C, p.Leu550Pro (NM_001347828.2); c.1613T>C, p.Leu538Pro (NM_001347830.2); short protein forms L525P, L538P, L550P.
Identifiers: ClinVar variation 3641824 (VCV003641824.2).